The following is an entry in ClinVar:

NM_024675.4(PALB2):c.3044C>T (p.Thr1015Ile)

Gene: PALB2 (partner and localizer of BRCA2; minus strand). Cytogenetic location: 16p12.2.
Variant type: single nucleotide variant.
Coding change: c.3044C>T on transcript NM_024675.4 (MANE Select); coding-DNA position 3044, C replaced by T.
Protein change: p.Thr1015Ile; replaces threonine 1015 with isoleucine.
Molecular consequence: missense variant.
Genome position (GRCh38, 1-based): chr16:23,621,431, G>A on the plus strand (C>T on the coding strand, the complement: PALB2 is on the minus strand). VCF-style: chr16-23621431-G-A. GRCh37 (hg19) VCF-style: chr16-23632752-G-A.
Other names: short protein forms T1015I.
Identifiers: ClinVar variation 141554 (VCV000141554.28), dbSNP rs367840862, ClinGen allele CA165765.

ClinVar aggregate classification (germline): Conflicting classifications of pathogenicity. Review status: criteria provided, conflicting classifications (1 of 4 stars). 7 submissions from 7 submitters: Uncertain significance (6); Likely benign (1). Last evaluated 2025-11-10.

Conditions:
Hereditary cancer-predisposing syndrome. Also called: Neoplastic Syndromes, Hereditary; Tumor predisposition; Hereditary Cancer Syndrome; Hereditary neoplastic syndrome. Identifiers: Orphanet 140162, MedGen C0027672, MeSH D009386, MONDO:0015356.
Familial cancer of breast. Also called: BREAST CANCER, FAMILIAL; Hereditary breast cancer; hereditary breast carcinoma. Identifiers: Orphanet 227535, MedGen C0346153, MONDO:0016419, OMIM 114480. Disease mechanism: loss of function.

Allele frequency attached by ClinVar (database versions not stated): gnomAD 0.00001; gnomAD exomes 0.00001; TOPMed 0.00001; ExAC 0.00002; ESP Exome Variant Server 0.00008.
gnomAD v4.1: 16 of 1,614,014 alleles (0.00099%); highest among the groups gnomAD compares: Non-Finnish European, 0.0014%; no homozygotes.

Submissions (7):

Labcorp Genetics (formerly Invitae), Labcorp
Classification: Uncertain significance for Familial cancer of breast. Last evaluated: 2025-11-10. Review status: criteria provided, single submitter. Criteria: Invitae Variant Classification Sherloc (09022015). Collection method: clinical testing. Allele origin: germline.
Comment: This sequence change replaces threonine, which is neutral and polar, with isoleucine, which is neutral and non-polar, at codon 1015 of the PALB2 protein (p.Thr1015Ile). This variant is present in population databases (rs367840862, gnomAD 0.003%). This variant has not been reported in the literature in individuals affected with PALB2-related conditions. This missense change has been observed on the opposite chromosome (in trans) from a pathogenic variant in PALB2 in at least one individual (internal data), which suggests that this variant may not be disease-causing. ClinVar contains an entry for this variant (Variation ID: 141554). Invitae Evidence Modeling of protein sequence and biophysical properties (such as structural, functional, and spatial information, amino acid conservation, physicochemical variation, residue mobility, and thermodynamic stability) indicates that this missense variant is expected to disrupt PALB2 protein function with a positive predictive value of 80%. In summary, the available evidence is currently insufficient to determine the role of this variant in disease. Therefore, it has been classified as a Variant of Uncertain Significance.

Ambry Genetics
Classification: Uncertain significance for Hereditary cancer-predisposing syndrome. Last evaluated: 2025-06-25. Review status: criteria provided, single submitter. Criteria: Ambry Variant Classification Scheme 2023. Collection method: clinical testing. Allele origin: germline.
Comment: The p.T1015I variant (also known as c.3044C>T), located in coding exon 10 of the PALB2 gene, results from a C to T substitution at nucleotide position 3044. The threonine at codon 1015 is replaced by isoleucine, an amino acid with similar properties. In one study, this alteration was reported in 1/5488 control individuals and was not observed in 13087 breast cancer cases (Decker B et al. J Med Genet, 2017 11;54:732-741). This amino acid position is well conserved in available vertebrate species. In addition, this alteration is predicted to be tolerated by in silico analysis. Based on the available evidence, the clinical significance of this variant remains unclear.

Color Diagnostics, LLC DBA Color Health
Classification: Uncertain significance for Hereditary cancer-predisposing syndrome. Last evaluated: 2024-01-23. Review status: criteria provided, single submitter. Criteria: ACMG Guidelines, 2015. Collection method: clinical testing. Allele origin: germline.
Comment: This missense variant replaces threonine with isoleucine at codon 1015 of the PALB2 protein. Computational prediction suggests that this variant may not impact protein structure and function. Splice site prediction tools suggest that this variant may not impact RNA splicing. To our knowledge, functional studies have not been reported for this variant. This variant has been reported in an individual affected with breast cancer (PMID: 28779002) and in a breast cancer case-control meta-analysis in 1/60466 cases and 2/53461 unaffected individuals (PMID: 33471991; Leiden Open Variation Database DB-ID PALB2_010794). This variant has been identified in 3/251446 chromosomes in the general population by the Genome Aggregation Database (gnomAD). The available evidence is insufficient to determine the role of this variant in disease conclusively. Therefore, this variant is classified as a Variant of Uncertain Significance.

Myriad Genetics, Inc.
Classification: Likely benign for Familial cancer of breast. Last evaluated: 2023-11-06. Review status: criteria provided, single submitter. Criteria: Myriad Autosomal Dominant, Autosomal Recessive and X-Linked Classification Criteria (2023). Collection method: clinical testing. Allele origin: unknown.
Comment: This variant is considered likely benign. This variant is strongly associated with less severe personal and family histories of cancer, typical for individuals without pathogenic variants in this gene [PMID: 25085752].

Baylor Genetics
Classification: Uncertain significance for Familial cancer of breast. Last evaluated: 2023-07-19. Review status: criteria provided, single submitter. Criteria: ACMG Guidelines, 2015. Collection method: clinical testing. Allele origin: unknown.

GeneDx
Classification: Uncertain significance. Last evaluated: 2023-02-28. Review status: criteria provided, single submitter. Criteria: GeneDx Variant Classification Process June 2021. Collection method: clinical testing. Allele origin: germline. Affected: yes.
Comment: Not observed at significant frequency in large population cohorts (gnomAD); In silico analysis supports that this missense variant has a deleterious effect on protein structure/function; This variant is associated with the following publications: (PMID: 33471991, 28779002, 19609323, 20871615, 24485656)

Women's Health and Genetics/Laboratory Corporation of America, LabCorp
Classification: Uncertain significance. Last evaluated: 2018-01-02. Review status: criteria provided, single submitter. Criteria: LabCorp Variant Classification Summary - May 2015. Collection method: clinical testing. Allele origin: germline.
Comment: Variant summary: The PALB2 c.3044C>T (p.Thr1015Ile) variant involves the alteration of a conserved nucleotide. 4/5 in silico tools predict a damaging outcome for this variant. This variant was found in 3/246228 control chromosomes at a frequency of 0.0000122, which does not exceed the estimated maximal expected allele frequency of a pathogenic PALB2 variant (0.0001563). This variant was found in at least one individual without clinical information (Decker_2017). In addition, multiple clinical diagnostic laboratories classified this variant as uncertain significance. Taken together, this variant is classified as VUS.

Literature cited by the submitters: PubMed 28779002 (cited by 3 submitters); PubMed 33471991 (cited by Ambry Genetics and Color Diagnostics, LLC DBA Color Health); PubMed 25085752 (cited by Myriad Genetics, Inc.).